The following is an entry in ClinVar:

NM_001395413.1(POR):c.1048A>C (p.Asn350His)

Genes: POR (cytochrome p450 oxidoreductase; plus strand), LOC126860075 (CDK7 strongly-dependent group 2 enhancer GRCh37_chr7:75612087-75613286; plus strand). Cytogenetic location: 7q11.23.
Variant type: single nucleotide variant.
Coding change: c.1048A>C on transcript NM_001395413.1 (MANE Select); coding-DNA position 1048, A replaced by C.
Protein change: p.Asn350His; replaces asparagine 350 with histidine.
Molecular consequence: missense variant.
Genome position (GRCh38, 1-based): chr7:75,983,847, A>C. VCF-style: chr7-75983847-A-C. GRCh37 (hg19) VCF-style: chr7-75613165-A-C.
Other names: c.1057A>C, p.Asn353His (NM_000941.2, NM_000941.3); c.1048A>C, p.Asn350His (NM_001367562.3, NM_001382657.2, NM_001382658.3 and 2 more transcripts); c.1102A>C, p.Asn368His (NM_001382655.3); short protein forms N350H, N353H, N368H.
Identifiers: ClinVar variation 2056773 (VCV002056773.1), dbSNP rs1789229404, ClinGen allele CA367749133.
Genomic context (GRCh38, chr7:75,983,847, plus strand): 5'-CTCGTCAACCAGCTGGGCAAAATCCTGGGTGCCGACCTGGACGTCGTCATGTCCCTGAAC[A>C]ACCTGGATGGTGAGTGCCACAGTCAGGGCGCCCTGCCGGGCTCAGGCAGCCGCGGGATTG-3'
Protein context (NP_001382342.1, residues 340-360): ADLDVVMSLN[Asn350His]LDEESNKKHP

ClinVar aggregate classification (germline): Uncertain significance (1 of 4 stars; one submission).

Conditions:
Congenital adrenal hyperplasia due to cytochrome P450 oxidoreductase deficiency. Also called: DISORDERED STEROIDOGENESIS DUE TO POR DEFICIENCY. Identifiers: Orphanet 95699, MedGen C1860042, MONDO:0013310, OMIM 613571.

Allele frequency attached by ClinVar (database versions not stated): gnomAD exomes below 0.00001; TOPMed below 0.00001.
gnomAD v4.1: 1 of 1,606,956 alleles (0.000062%); highest among the groups gnomAD compares: Middle Eastern, 0.017%; no homozygotes.

Submission:

Labcorp Genetics (formerly Invitae), Labcorp
Classification: Uncertain significance for Congenital adrenal hyperplasia due to cytochrome P450 oxidoreductase deficiency. Last evaluated: 2022-05-27. Review status: criteria provided, single submitter. Criteria: Invitae Variant Classification Sherloc (09022015). Collection method: clinical testing. Allele origin: germline.
Comment: This sequence change replaces asparagine, which is neutral and polar, with histidine, which is basic and polar, at codon 353 of the POR protein (p.Asn353His). This variant is not present in population databases (gnomAD no frequency). This variant has not been reported in the literature in individuals affected with POR-related conditions. Algorithms developed to predict the effect of missense changes on protein structure and function (SIFT, PolyPhen-2, Align-GVGD) all suggest that this variant is likely to be disruptive. In summary, the available evidence is currently insufficient to determine the role of this variant in disease. Therefore, it has been classified as a Variant of Uncertain Significance.